The following is an entry in ClinVar:

ClinVar aggregate classification (germline): Likely pathogenic (1 of 4 stars; one submission).

Submission:

GeneDx
Classification: Likely pathogenic. Last evaluated: 2022-05-02. Review status: criteria provided, single submitter. Criteria: GeneDx Variant Classification Process June 2021. Collection method: clinical testing. Allele origin: germline. Affected: yes.
Comment: In silico analysis supports that this missense variant has a deleterious effect on protein structure/function; Not observed at significant frequency in large population cohorts (gnomAD); This variant is associated with the following publications: (PMID: 27061943, 27933653, 28511835)

NM_183357.3(ADCY5):c.1252C>G (p.Arg418Gly)

Gene: ADCY5 (adenylate cyclase 5; minus strand). Cytogenetic location: 3q21.1.
Variant type: single nucleotide variant.
Coding change: c.1252C>G on transcript NM_183357.3 (MANE Select); coding-DNA position 1252, C replaced by G.
Protein change: p.Arg418Gly; replaces arginine 418 with glycine.
Molecular consequence: missense variant.
Genome position (GRCh38, 1-based): chr3:123,352,464, G>C on the plus strand (C>G on the coding strand, the complement: ADCY5 is on the minus strand). VCF-style: chr3-123352464-G-C. GRCh37 (hg19) VCF-style: chr3-123071311-G-C.
Other names: c.202C>G, p.Arg68Gly (NM_001199642.1); c.1252C>G, p.Arg418Gly (NM_001378259.1); short protein forms R418G, R68G.
Identifiers: ClinVar variation 1722770 (VCV001722770.2), dbSNP rs864309483, ClinGen allele CA354222550.